The following is an entry in ClinVar:

NM_198965.2(PTHLH):c.241A>G (p.Asn81Asp)

Gene: PTHLH (parathyroid hormone like hormone; minus strand). Cytogenetic location: 12p11.22.
Variant type: single nucleotide variant.
Coding change: c.241A>G on transcript NM_198965.2 (MANE Select); coding-DNA position 241, A replaced by G.
Protein change: p.Asn81Asp; replaces asparagine 81 with aspartic acid.
Molecular consequence: missense variant.
Genome position (GRCh38, 1-based): chr12:27,963,631, T>C on the plus strand (A>G on the coding strand, the complement: PTHLH is on the minus strand). VCF-style: chr12-27963631-T-C. GRCh37 (hg19) VCF-style: chr12-28116564-T-C.
Other names: c.241A>G, p.Asn81Asp (NM_002820.3, NM_198964.2, NM_198966.2); short protein forms N81D.
Identifiers: ClinVar variation 1935776 (VCV001935776.5), dbSNP rs1369799641, ClinGen allele CA384339343.

ClinVar aggregate classification (germline): Uncertain significance (1 of 4 stars; one submission).

Allele frequency attached by ClinVar (database versions not stated): gnomAD exomes below 0.00001; gnomAD 0.00001; TOPMed 0.00001.
gnomAD v4.1: 5 of 1,613,976 alleles (0.00031%); highest among the groups gnomAD compares: Admixed American, 0.0033%; no homozygotes.

Submission:

Labcorp Genetics (formerly Invitae), Labcorp
Classification: Uncertain significance. Last evaluated: 2024-02-17. Review status: criteria provided, single submitter. Criteria: Invitae Variant Classification Sherloc (09022015). Collection method: clinical testing. Allele origin: germline.
Comment: This sequence change replaces asparagine, which is neutral and polar, with aspartic acid, which is acidic and polar, at codon 81 of the PTHLH protein (p.Asn81Asp). This variant is not present in population databases (gnomAD no frequency). This variant has not been reported in the literature in individuals affected with PTHLH-related conditions. ClinVar contains an entry for this variant (Variation ID: 1935776). An algorithm developed to predict the effect of missense changes on protein structure and function (PolyPhen-2) suggests that this variant is likely to be disruptive. In summary, the available evidence is currently insufficient to determine the role of this variant in disease. Therefore, it has been classified as a Variant of Uncertain Significance.